The following is an entry in ClinVar:

ClinVar aggregate classification (germline): Pathogenic (1 of 4 stars; one submission).

Conditions:
Distal myopathy with posterior leg and anterior hand involvement. Also called: WILLIAMS DISTAL MYOPATHY. Identifiers: Orphanet 63273, MedGen C3279722, MONDO:0013550, OMIM 614065.
Myofibrillar myopathy 5. Also called: Filaminopathy (type); FILAMINOPATHY, AUTOSOMAL DOMINANT. Identifiers: Orphanet 171445, MedGen C1836050, MONDO:0012289, OMIM 609524.
Hypertrophic cardiomyopathy 26. Also called: Cardiomyopathy, familial hypertrophic, 26. Identifiers: Orphanet 75249, MedGen C4310749, MONDO:0014883, OMIM 617047.

Submission:

Labcorp Genetics (formerly Invitae), Labcorp
Classification: Pathogenic for Distal myopathy with posterior leg and anterior hand involvement; Myofibrillar myopathy 5; Hypertrophic cardiomyopathy 26. Last evaluated: 2023-08-28. Review status: criteria provided, single submitter. Criteria: Invitae Variant Classification Sherloc (09022015). Collection method: clinical testing. Allele origin: germline.
Comment: This variant has not been reported in the literature in individuals affected with FLNC-related conditions. For these reasons, this variant has been classified as Pathogenic. ClinVar contains an entry for this variant (Variation ID: 660879). This variant is not present in population databases (gnomAD no frequency). This sequence change creates a premature translational stop signal (p.Leu1892Hisfs*60) in the FLNC gene. It is expected to result in an absent or disrupted protein product. Loss-of-function variants in FLNC are known to be pathogenic (PMID: 27908349).

Literature cited by the submitters: PubMed 27908349.

NM_001458.5(FLNC):c.5675_5678del (p.Leu1892fs)

Genes: FLNC (filamin C; plus strand), FLNC-AS1 (FLNC antisense RNA 1; minus strand). Cytogenetic location: 7q32.1.
Variant type: Deletion.
Coding change: c.5675_5678del on transcript NM_001458.5 (MANE Select); coding-DNA positions 5675 to 5678, 4 bases deleted (TGTC; older notation c.5675_5678delTGTC).
Protein change: p.Leu1892fs; shifts the reading frame from leucine 1892.
Molecular consequence: frameshift variant. On other transcripts: non-coding transcript variant (1).
Genome position (GRCh38, 1-based): chr7:128,851,461-128,851,464, TGTC deleted; deleting any 4 consecutive bases within chr7:128,851,458-128,851,464 gives the same sequence; the c. name uses the placement nearest the transcript's 3' end. VCF-style (leftmost placement, unchanged base first): chr7-128851457-GGTCT-G. GRCh37 (hg19) VCF-style: chr7-128491511-GGTCT-G.
Other names: c.5576_5579del, p.Leu1859fs (NM_001127487.2); c.5675_5678delTGTC (NM_001458.4); short protein forms L1859fs, L1892fs.
Identifiers: ClinVar variation 660879 (VCV000660879.7), dbSNP rs1585166614, ClinGen allele CA915945512.
Genomic context (GRCh38, chr7:128,851,457, plus strand): 5'-TCACCAGGGGCAGGGGTGAGGGCAGGACCTCTGATCTTGGCCACACCTCCACCTACAGGG[GGTCT>G]GTCACTGGCCGTGGAGGGCCCATCCAAGGCAGAGATCACCTGTAAGGACAACAAGGATGG-3'